The following is an entry in ClinVar:

ClinVar aggregate classification (germline): Likely benign. Review status: criteria provided, multiple submitters, no conflicts (2 of 4 stars). 2 submissions from 2 submitters: Likely benign (2). Last evaluated 2023-03-23.

Conditions:
Hereditary cancer-predisposing syndrome. Also called: Hereditary Cancer Syndrome; Hereditary neoplastic syndrome; Neoplastic Syndromes, Hereditary; Tumor predisposition. Identifiers: Orphanet 140162, MedGen C0027672, MeSH D009386, MONDO:0015356.

Submissions (2):

University of Washington Department of Laboratory Medicine, University of Washington
Classification: Likely benign for Hereditary cancer-predisposing syndrome. Last evaluated: 2023-03-23. Review status: criteria provided, single submitter. Criteria: Dines et al. (Genet Med. 2020). Collection method: curation. Allele origin: germline.
Comment: Missense variant in a coldspot region where missense variants are very unlikely to be pathogenic (PMID:31911673).

BRCA2 exon 11 coldspot. Reclassification based on statistical prior probability.

Ambry Genetics
Classification: Likely benign for Hereditary cancer-predisposing syndrome. Last evaluated: 2020-09-08. Review status: criteria provided, single submitter. Criteria: Ambry Variant Classification Scheme 2023. Collection method: clinical testing. Allele origin: germline.

NM_000059.4(BRCA2):c.5482A>G (p.Lys1828Glu)

Gene: BRCA2 (BRCA2 DNA repair associated; plus strand). Cytogenetic location: 13q13.1.
Variant type: single nucleotide variant.
Coding change: c.5482A>G on transcript NM_000059.4 (MANE Select); coding-DNA position 5482, A replaced by G.
Protein change: p.Lys1828Glu; replaces lysine 1828 with glutamic acid.
Molecular consequence: missense variant.
Genome position (GRCh38, 1-based): chr13:32,339,837, A>G. VCF-style: chr13-32339837-A-G. GRCh37 (hg19) VCF-style: chr13-32913974-A-G.
Other names: c.5482A>G, p.Lys1828Glu (NM_001406719.1, NM_001406720.1); short protein forms K1828E.
Identifiers: ClinVar variation 1747811 (VCV001747811.4), dbSNP rs2137517940, ClinGen allele CA387785722.
Genomic context (GRCh38, chr13:32,339,837, plus strand): 5'-ATTTGCGTTGAGGAACTTGTGACTAGCTCTTCACCCTGCAAAAATAAAAATGCAGCCATT[A>G]AATTGTCCATATCTAATAGTAATAATTTTGAGGTAGGGCCACCTGCATTTAGGATAGCCA-3'
Protein context (NP_000050.3, residues 1818-1838): SPCKNKNAAI[Lys1828Glu]LSISNSNNFE